The following is an entry in ClinVar:

NM_001077350.3(NPRL3):c.1474G>T (p.Glu492Ter)

Genes: HBA-LCR (alpha-globin locus control region; plus strand), NPRL3 (NPR3 like, GATOR1 complex subunit; minus strand). Cytogenetic location: 16p13.3.
Variant type: single nucleotide variant.
Coding change: c.1474G>T on transcript NM_001077350.3 (MANE Select); coding-DNA position 1474, G replaced by T.
Protein change: p.Glu492Ter; replaces glutamic acid 492 with a stop codon.
Molecular consequence: nonsense.
Genome position (GRCh38, 1-based): chr16:88,768, C>A on the plus strand (G>T on the coding strand, the complement: NPRL3 is on the minus strand). VCF-style: chr16-88768-C-A. GRCh37 (hg19) VCF-style: chr16-138767-C-A.
Other names: c.937G>T, p.Glu313Ter (NM_001039476.3); c.1240G>T, p.Glu414Ter (NM_001243247.2); c.1399G>T, p.Glu467Ter (NM_001243248.2, NM_001243249.2); short protein forms E313*, E492*, E414*, E467*.
Identifiers: ClinVar variation 3723370 (VCV003723370.2).

ClinVar aggregate classification (germline): Pathogenic (1 of 4 stars; one submission).

Conditions:
Epilepsy, familial focal, with variable foci 3 (FFEVF3). Identifiers: MedGen C4310708, MONDO:0014925, OMIM 617118.

Submission:

Labcorp Genetics (formerly Invitae), Labcorp
Classification: Pathogenic for Epilepsy, familial focal, with variable foci 3. Last evaluated: 2024-10-21. Review status: criteria provided, single submitter. Criteria: Invitae Variant Classification Sherloc (09022015). Collection method: clinical testing. Allele origin: germline.
Comment: This sequence change creates a premature translational stop signal (p.Glu492*) in the NPRL3 gene. It is expected to result in an absent or disrupted protein product. Loss-of-function variants in NPRL3 are known to be pathogenic (PMID: 26285051, 26505888). This variant is not present in population databases (gnomAD no frequency). This variant has not been reported in the literature in individuals affected with NPRL3-related conditions. For these reasons, this variant has been classified as Pathogenic.

Literature cited by the submitters: PubMed 26285051; PubMed 26505888.